The following is an entry in ClinVar:

ClinVar aggregate classification (germline): Uncertain significance (1 of 4 stars; one submission).

Conditions:
Baller-Gerold syndrome (BGS). Also called: CRANIOSYNOSTOSIS WITH RADIAL DEFECTS. Identifiers: Orphanet 1225, MedGen C0265308, MONDO:0009039, OMIM 218600.

gnomAD v4.1: 1 of 1,547,006 alleles (0.000065%); highest among the groups gnomAD compares: Non-Finnish European, 0.000087%; no homozygotes.

Submission:

Labcorp Genetics (formerly Invitae), Labcorp
Classification: Uncertain significance for Baller-Gerold syndrome. Last evaluated: 2022-12-30. Review status: criteria provided, single submitter. Criteria: Invitae Variant Classification Sherloc (09022015). Collection method: clinical testing. Allele origin: germline.
Comment: This sequence change affects codon 691 of the RECQL4 mRNA. It is a 'silent' change, meaning that it does not change the encoded amino acid sequence of the RECQL4 protein. This variant is not present in population databases (gnomAD no frequency). This variant has not been reported in the literature in individuals affected with RECQL4-related conditions. Algorithms developed to predict the effect of sequence changes on RNA splicing suggest that this variant may create or strengthen a splice site. In summary, the available evidence is currently insufficient to determine the role of this variant in disease. Therefore, it has been classified as a Variant of Uncertain Significance.

NM_004260.4(RECQL4):c.2073G>T (p.Leu691=)

Gene: RECQL4 (RecQ like helicase 4; minus strand). Cytogenetic location: 8q24.3.
Variant type: single nucleotide variant.
Coding change: c.2073G>T on transcript NM_004260.4 (MANE Select); coding-DNA position 2073, G replaced by T.
Protein change: p.Leu691=; no amino-acid change (leucine 691 retained).
Molecular consequence: synonymous variant. On other transcripts: non-coding transcript variant (2).
Genome position (GRCh38, 1-based): chr8:144,513,698, C>A on the plus strand (G>T on the coding strand, the complement: RECQL4 is on the minus strand). VCF-style: chr8-144513698-C-A. GRCh37 (hg19) VCF-style: chr8-145739082-C-A.
Other names: c.1977G>T, p.Leu659= (NM_001413017.1, NM_001413020.1); c.2073G>T, p.Leu691= (NM_001413018.1, NM_001413019.1, NM_001413036.1); c.1002G>T, p.Leu334= (NM_001413021.1, NM_001413022.1, NM_001413023.1 and 6 more transcripts); c.1944G>T, p.Leu648= (NM_001413025.1); c.936G>T, p.Leu312= (NM_001413027.1, NM_001413030.1, NM_001413032.1 and 1 more transcripts); c.1722G>T, p.Leu574= (NM_001413029.1); c.804G>T, p.Leu268= (NM_001413031.1); c.1941G>T, p.Leu647= (NM_001413033.1); and 4 more.
Identifiers: ClinVar variation 1976056 (VCV001976056.5), dbSNP rs2130684612, ClinGen allele CA463567010.
Genomic context (GRCh38, chr8:144,513,698, plus strand): 5'-CTCGCGCCGGTTGCAGTAAATGATAATGGAATCGAGGTTTTGAAAACGTTTGCCTTGCAG[C>A]AGCGTCAACAGTGCCTGATGAGGAGCGGTTGGCGTGGGCAGTGGGGAGTGAGGAGGGGTC-3'
Protein context (NP_004251.4, residues 681-701): DRDTDQALLT[Leu691=]LQGKRFQNLD